The following is an entry in ClinVar:

ClinVar aggregate classification (germline): Pathogenic. Review status: reviewed by expert panel (3 of 4 stars). 13 submissions from 11 submitters: Pathogenic (1). 12 of the submissions do not count toward it. Last evaluated 2025-11-11.

Conditions:
Hereditary cancer-predisposing syndrome. Also called: Neoplastic Syndromes, Hereditary; Hereditary neoplastic syndrome; Tumor predisposition; Hereditary Cancer Syndrome. Identifiers: Orphanet 140162, MedGen C0027672, MeSH D009386, MONDO:0015356.
ATM-related cancer predisposition. Also called: ATM-related cancer susceptibility. Identifiers: MedGen CN377759, MONDO:0700270.
Ataxia-telangiectasia syndrome (AT). Also called: Ataxia telangiectasia (A-T); Cerebello-oculocutaneous telangiectasia; Immunodeficiency with ataxia telangiectasia; LOUIS-BAR SYNDROME; AT, COMPLEMENTATION GROUP C; ATAXIA-TELANGIECTASIA, FRESNO VARIANT. Identifiers: Orphanet 100, MedGen C0004135, MONDO:0008840, OMIM 208900.
Breast-ovarian cancer, familial, susceptibility to, 1 (BROVCA1). Also called: OVARIAN CANCER, SUSCEPTIBILITY TO; BRCA1 Hereditary Breast and Ovarian Cancer. Identifiers: Orphanet 145, MedGen C2676676, MONDO:0011450, OMIM 604370. Disease mechanism: loss of function.
Familial cancer of breast. Also called: hereditary breast carcinoma; Hereditary breast cancer; BREAST CANCER, FAMILIAL. Identifiers: Orphanet 227535, MedGen C0346153, MONDO:0016419, OMIM 114480. Disease mechanism: loss of function.

Submissions (13):

ClinGen Hereditary Breast, Ovarian and Pancreatic Cancer Variant Curation Expert Panel, ClinGen
Classification: Pathogenic for ATM-related cancer predisposition. Last evaluated: 2025-11-11. Review status: reviewed by expert panel. Criteria: ClinGen HBOP ACMG Specifications ATM V1.4.0. Collection method: curation. Allele origin: germline. Inheritance: Autosomal dominant inheritance.
Comment: The c.5631_5635delinsA (p.Phe1877Leufs*39) variant in ATM is a frameshift variant predicted to cause a premature stop codon in a biologically-relevant-exon leading to nonsense mediated decay in a gene in which loss-of-function is an established disease mechanism. This alteration results in a termination codon upstream of the most C-terminus pathogenic alteration (ATM p.Arg3047*), as classified by the HBOP VCEP, and is expected to be more deleterious. This variant has been detected in at least four unrelated individuals with Ataxia-Telangiectasia (PMID: 15843990, 35260754, 2689183). The highest population minor allele frequency in gnomAD v4.1.0 is 0.0000064 in the South Asian population (PM2_Supporting, BS1, and BA1 are not met). In summary, this variant meets the criteria to be classified as pathogenic for autosomal dominant ATM-related cancer predisposition and autosomal recessive Ataxia-Telangiectasia based on the ACMG/AMP criteria applied as specified by the HBOP VCEP. (PVS1, PM5_Supporting, PM3_VeryStrong)

CeGaT Center for Human Genetics Tuebingen
Classification: Pathogenic. Last evaluated: 2026-07-01. Review status: criteria provided, single submitter. Criteria: CeGaT Center For Human Genetics Tuebingen Variant Classification Criteria Version 2. Collection method: clinical testing. Allele origin: germline. Affected: yes. Observed: 1 variant allele. Not counted in ClinVar's aggregate classification.
Comment: ATM: PM3:Very Strong, PVS1, PM2

Labcorp Genetics (formerly Invitae), Labcorp
Classification: Pathogenic for Ataxia-telangiectasia syndrome. Last evaluated: 2026-01-03. Review status: criteria provided, single submitter. Criteria: Invitae Variant Classification Sherloc (09022015). Collection method: clinical testing. Allele origin: germline. Not counted in ClinVar's aggregate classification.
Comment: This sequence change creates a premature translational stop signal (p.Phe1877Leufs*39) in the ATM gene. It is expected to result in an absent or disrupted protein product. Loss-of-function variants in ATM are known to be pathogenic (PMID: 23807571, 25614872). Information on the frequency of this variant in the gnomAD database is not available, as this variant may be reported differently in the database. This premature translational stop signal has been observed in individual(s) with ataxia-telangiectasia (PMID: 15843990). This variant is also known as c.5631_5635delCTCGC+5639_5640insA. For these reasons, this variant has been classified as Pathogenic.

Natera, Inc.
Classification: Pathogenic for Ataxia-telangiectasia. Last evaluated: 2025-12-22. Review status: criteria provided, single submitter. Criteria: Natera Variant Classification Schema (03/2026). Collection method: clinical testing. Allele origin: germline. Not counted in ClinVar's aggregate classification.
Comment: The c.5631_5635delCTCGCinsA variant in ATM is a frameshift variant predicted to shift the reading frame beginning at codon 1877 and leads to a stop codon 39 codons downstream. This variant is expected to result in nonsense mediated decay, truncation, or a dysfunctional protein product. This variant is rare in the general population with a frequency below the threshold expected for the associated phenotype(s). This variant has been observed in one or more individuals affected with the associated recessive disease, as either homozygous or compound heterozygous with a second variant (PMID: 35260754). Given the available evidence, this variant is classified as Pathogenic.

Ambry Genetics
Classification: Pathogenic for Hereditary cancer-predisposing syndrome. Last evaluated: 2025-09-08. Review status: criteria provided, single submitter. Criteria: Ambry Variant Classification Scheme 2023. Collection method: clinical testing. Allele origin: germline. Not counted in ClinVar's aggregate classification.
Comment: The c.5631_5635delCTCGCinsA pathogenic mutation, located in coding exon 36 of the ATM gene, results from the deletion of 5 nucleotides and insertion of one nucleotide causing a translational frameshift with a predicted alternate stop codon (p.F1877Lfs*39). This alteration, described as c.5631_5635delCTCGC+5639_5640insA, has been reported in two individuals from a cohort of Iranian ataxia-telangiectasia patients (Babaei M et al, Hum. Genet. 2005 Jul; 117(2-3):101-6) as well as in three individuals from an Indian ataxia-telangiectasia patient cohort (Rawat A et al, Sci Rep. 2022 03;12(1):4036). This variant is considered to be rare based on population cohorts in the Genome Aggregation Database (gnomAD). This alteration is expected to result in loss of function by premature protein truncation or nonsense-mediated mRNA decay. As such, this alteration is interpreted as a disease-causing mutation.

Myriad Genetics, Inc.
Classification: Pathogenic for Familial cancer of breast. Last evaluated: 2024-01-25. Review status: criteria provided, single submitter. Criteria: Myriad Autosomal Dominant, Autosomal Recessive and X-Linked Classification Criteria (2023). Collection method: clinical testing. Allele origin: unknown. Not counted in ClinVar's aggregate classification.
Comment: This variant is considered pathogenic. This variant creates a frameshift predicted to result in premature protein truncation.

Color Diagnostics, LLC DBA Color Health
Classification: Pathogenic for Hereditary cancer-predisposing syndrome. Last evaluated: 2024-01-16. Review status: criteria provided, single submitter. Criteria: ACMG Guidelines, 2015. Collection method: clinical testing. Allele origin: germline. Not counted in ClinVar's aggregate classification.
Comment: This variant deletes 5 nucleotides and inserts 1 new nucleotide in exon 37 of the ATM gene, creating a frameshift and premature translation stop signal. This variant is expected to result in an absent or non-functional protein product. This variant has been reported in the compound heterozygous state with an additional pathogenic ATM variant in individuals affected with ataxia-telangiectasia (PMID: 15843990, 35729272). This variant has also been reported in individuals affected with triple negative breast cancer (DOI: 10.1101/2022.05.31.22275080). This variant has not been identified in the general population by the Genome Aggregation Database (gnomAD). Loss of ATM function is a known mechanism of disease. Based on the available evidence, this variant is classified as Pathogenic.

Baylor Genetics
Classification: Pathogenic for Familial cancer of breast. Last evaluated: 2023-11-06. Review status: criteria provided, single submitter. Criteria: ACMG Guidelines, 2015. Collection method: clinical testing. Allele origin: unknown. Not counted in ClinVar's aggregate classification.

Department of Pathology and Laboratory Medicine, Sinai Health System
Classification: Pathogenic for ATM-related cancer predisposition. Last evaluated: 2023-06-15. Review status: criteria provided, single submitter. Criteria: ACMG Guidelines, 2015. Collection method: clinical testing. Allele origin: germline. Not counted in ClinVar's aggregate classification.

GeneDx
Classification: Pathogenic. Last evaluated: 2019-07-23. Review status: criteria provided, single submitter. Criteria: GeneDx Variant Classification Process June 2021. Collection method: clinical testing. Allele origin: germline. Affected: yes. Not counted in ClinVar's aggregate classification.
Comment: Frameshift variant predicted to result in protein truncation or nonsense mediated decay in a gene for which loss-of-function is a known mechanism of disease; Not observed in large population cohorts (Lek et al., 2016); This variant is associated with the following publications: (PMID: 15843990)

Baylor Genetics
Classification: Likely pathogenic for Ataxia-telangiectasia syndrome. Last evaluated: 2018-02-21. Review status: criteria provided, single submitter. Criteria: ACMG Guidelines, 2015. Collection method: clinical testing. Allele origin: paternal. Affected: yes. Not counted in ClinVar's aggregate classification.
Comment: This variant was determined to be likely pathogenic according to ACMG Guidelines, 2015 [PMID:25741868].

Neuberg Centre For Genomic Medicine, NCGM
Classification: Pathogenic for Breast-ovarian cancer, familial, susceptibility to, 1. Review status: criteria provided, single submitter. Criteria: ACMG Guidelines, 2015. Collection method: clinical testing. Allele origin: germline. Inheritance: Autosomal dominant inheritance. Affected: yes. Not counted in ClinVar's aggregate classification.
Comment: The frameshift variant c.5631_5635delinsA (p.Phe1877LeufsTer39) in ATM has been reported in heterozygous state in individuals affected with ataxiatelangiectasia (Babaei M et al.). The p.Phe1877LeufsTer39 variant is novel in the gnomAD Exomes database. It has been submitted to ClinVar as Pathogenic and Likely Pathogenic. This alteration is expected to result in loss of function by premature protein truncation or nonsense-mediated mRNA decay. Loss-offunction variants in ATM are known to be pathogenic (Huang Y et al.). For these reasons, this variant has been classified as Pathogenic.

Neuberg Centre For Genomic Medicine, NCGM
Classification: Likely pathogenic for Ataxia-telangiectasia syndrome. Review status: criteria provided, single submitter. Criteria: ACMG Guidelines, 2015. Collection method: clinical testing. Allele origin: germline. Inheritance: Autosomal recessive inheritance. Affected: yes. Not counted in ClinVar's aggregate classification.
Comment: The observed frameshift variant c.5631_5635delCTCGCinsAp.Phe1877LeufsTer39 in the ATM gene has been reported previously in compound heterozygous state in an individual with ataxia-telangiectasia Babaei M, et al., 2005. This variant is absent in the gnomAD Exomes. This variant causes a frameshift starting with codon Phenylalanine 1878, changes this amino acid to Leucine residue, and creates a premature Stop codon at position 39 of the new reading frame, denoted p.Phe1877LeufsTer39. It is submitted to ClinVar as Pathogenic/Likely pathogenic. This variant is predicted to cause loss of normal protein function through protein truncation. Loss of function variants have been previously reported to be disease causing. 5. However study on multiple affected individuals and functional studies on the pathogenicity of the variant is unavailable. For these reasons, this variant has been classified as Likely Pathogenic.

Literature cited by the submitters: PubMed 23807571 (cited by Labcorp Genetics (formerly Invitae), Labcorp); PubMed 25614872 (cited by Labcorp Genetics (formerly Invitae), Labcorp); PubMed 15843990 (cited by 4 submitters); PubMed 35260754 (cited by Natera, Inc.); PubMed 35729272 (cited by Color Diagnostics, LLC DBA Color Health); PubMed 32560754 (cited by Department of Pathology and Laboratory Medicine, Sinai Health System).

NM_000051.4(ATM):c.5631_5635delinsA (p.Phe1877fs)

Gene: ATM (ATM serine/threonine kinase; plus strand). Cytogenetic location: 11q22.3.
Variant type: Indel.
Coding change: c.5631_5635delinsA on transcript NM_000051.4 (MANE Select); coding-DNA positions 5631 to 5635, CTCGC replaced by A.
Protein change: p.Phe1877fs; shifts the reading frame from phenylalanine 1877.
Molecular consequence: frameshift variant.
Genome position (GRCh38, 1-based): chr11:108,304,809-108,304,813, CTCGC replaced by A. VCF-style: chr11-108304809-CTCGC-A. GRCh37 (hg19) VCF-style: chr11-108175536-CTCGC-A.
Other names: NM_000051.4(ATM):c.5631_5635delinsA; p.Phe1877fs; c.5631_5635delCTCGCinsA (NM_000051.4, NM_000051.3); c.5631_5635delinsA, p.Phe1877fs (NM_001351834.2); short protein forms F1877fs.
Identifiers: ClinVar variation 233573 (VCV000233573.27), dbSNP rs758852420, ClinGen allele CA10579189.